The following is an entry in ClinVar:

NM_001430.5(EPAS1):c.2182C>A (p.Pro728Thr)

Gene: EPAS1 (endothelial PAS domain protein 1; plus strand). Cytogenetic location: 2p21.
Variant type: single nucleotide variant.
Coding change: c.2182C>A on transcript NM_001430.5 (MANE Select); coding-DNA position 2182, C replaced by A.
Protein change: p.Pro728Thr; replaces proline 728 with threonine.
Molecular consequence: missense variant.
Genome position (GRCh38, 1-based): chr2:46,381,984, C>A. VCF-style: chr2-46381984-C-A. GRCh37 (hg19) VCF-style: chr2-46609123-C-A.
Other names: short protein forms P728T.
Identifiers: ClinVar variation 1787284 (VCV001787284.2), dbSNP rs1015884255, ClinGen allele CA46568640.
Genomic context (GRCh38, chr2:46,381,984, plus strand): 5'-GACCTGGTTCTCTGGCCATTTCCCCTTTCCATCTGCCCTTCTTACTCCCAGGGGGACCCA[C>A]CTGGTGGCAGCACCTCACATTTGATGTGGAAACGGATGAAGAACCTCAGGGGTGGGAGCT-3'
Protein context (NP_001421.2, residues 718-738): AFQDLSGGDP[Pro728Thr]GGSTSHLMWK

ClinVar aggregate classification (germline): Uncertain significance (1 of 4 stars; one submission).

Conditions:
Inborn genetic diseases. Identifiers: MedGen C0950123, MeSH D030342.

Allele frequency attached by ClinVar (database versions not stated): TOPMed 0.00001.

Submission:

Ambry Genetics
Classification: Uncertain significance for Inborn genetic diseases. Last evaluated: 2022-01-10. Review status: criteria provided, single submitter. Criteria: Ambry Variant Classification Scheme 2023. Collection method: clinical testing. Allele origin: germline.
Comment: The p.P728T variant (also known as c.2182C>A), located in coding exon 14 of the EPAS1 gene, results from a C to A substitution at nucleotide position 2182. The proline at codon 728 is replaced by threonine, an amino acid with highly similar properties. This amino acid position is conserved. In addition, this alteration is predicted to be tolerated by in silico analysis. Since supporting evidence is limited at this time, the clinical significance of this alteration remains unclear.